The following is an entry in ClinVar:

NM_005120.3(MED12):c.4325A>G (p.His1442Arg)

Gene: MED12 (mediator complex subunit 12; plus strand). Cytogenetic location: Xq13.1.
Variant type: single nucleotide variant.
Coding change: c.4325A>G on transcript NM_005120.3 (MANE Select); coding-DNA position 4325, A replaced by G.
Protein change: p.His1442Arg; replaces histidine 1442 with arginine.
Molecular consequence: missense variant.
Genome position (GRCh38, 1-based): chrX:71,132,448, A>G. VCF-style: chrX-71132448-A-G. GRCh37 (hg19) VCF-style: chrX-70352298-A-G.
Other names: short protein forms H1442R.
Identifiers: ClinVar variation 2728003 (VCV002728003.3), dbSNP rs2092319892, ClinGen allele CA413526360.

ClinVar aggregate classification (germline): Uncertain significance (1 of 4 stars; one submission).

Conditions:
FG syndrome (FGS). Identifiers: MedGen C0220769, MONDO:0002010.

Allele frequency attached by ClinVar (database versions not stated): gnomAD exomes below 0.00001.
gnomAD v4.1: 1 of 1,211,081 alleles (0.000083%); highest among the groups gnomAD compares: Non-Finnish European, 0.00011%; no homozygotes.

Submission:

Labcorp Genetics (formerly Invitae), Labcorp
Classification: Uncertain significance for FG syndrome. Last evaluated: 2023-12-26. Review status: criteria provided, single submitter. Criteria: Invitae Variant Classification Sherloc (09022015). Collection method: clinical testing. Allele origin: germline.
Comment: This sequence change replaces histidine, which is basic and polar, with arginine, which is basic and polar, at codon 1442 of the MED12 protein (p.His1442Arg). This variant is not present in population databases (gnomAD no frequency). This missense change has been observed in individual(s) with autism (PMID: 33023636). Advanced modeling of protein sequence and biophysical properties (such as structural, functional, and spatial information, amino acid conservation, physicochemical variation, residue mobility, and thermodynamic stability) performed at Invitae indicates that this missense variant is not expected to disrupt MED12 protein function with a negative predictive value of 95%. In summary, the available evidence is currently insufficient to determine the role of this variant in disease. Therefore, it has been classified as a Variant of Uncertain Significance.

Literature cited by the submitters: PubMed 33023636.